The following is an entry in ClinVar:

ClinVar aggregate classification (germline): Uncertain significance (1 of 4 stars; one submission).

Conditions:
Dilated cardiomyopathy 1G (CMD1G). Identifiers: Orphanet 154, MedGen C1858763, MONDO:0011400, OMIM 604145.
Autosomal recessive limb-girdle muscular dystrophy type 2J (LGMDR10). Also called: MUSCULAR DYSTROPHY, LIMB-GIRDLE, AUTOSOMAL RECESSIVE 10; Limb-girdle muscular dystrophy, type 2J. Identifiers: Orphanet 140922, MedGen C1837342, MONDO:0012127, OMIM 608807.

Submission:

Labcorp Genetics (formerly Invitae), Labcorp
Classification: Uncertain significance for Dilated cardiomyopathy 1G; Autosomal recessive limb-girdle muscular dystrophy type 2J. Last evaluated: 2023-10-22. Review status: criteria provided, single submitter. Criteria: Invitae Variant Classification Sherloc (09022015). Collection method: clinical testing. Allele origin: germline.
Comment: This sequence change replaces arginine, which is basic and polar, with glycine, which is neutral and non-polar, at codon 34952 of the TTN protein (p.Arg34952Gly). This variant is not present in population databases (gnomAD no frequency). This variant has not been reported in the literature in individuals affected with TTN-related conditions. Experimental studies and prediction algorithms are not available or were not evaluated, and the functional significance of this variant is currently unknown. This variant is located in the M band of TTN (PMID: 25589632). Variants in this region may be relevant for neuromuscular disorders, but have not been definitively shown to cause cardiomyopathy (PMID: 23975875). In summary, the available evidence is currently insufficient to determine the role of this variant in disease. Therefore, it has been classified as a Variant of Uncertain Significance.

Literature cited by the submitters: PubMed 25589632; PubMed 23975875.

NM_001267550.2(TTN):c.104854A>G (p.Arg34952Gly)

Genes: TTN (titin; minus strand), TTN-AS1 (TTN antisense RNA 1; plus strand). Cytogenetic location: 2q31.2.
Variant type: single nucleotide variant.
Coding change: c.104854A>G on transcript NM_001267550.2 (MANE Select); coding-DNA position 104854, A replaced by G.
Protein change: p.Arg34952Gly; replaces arginine 34952 with glycine.
Molecular consequence: missense variant.
Genome position (GRCh38, 1-based): chr2:178,531,761, T>C on the plus strand (A>G on the coding strand, the complement: TTN is on the minus strand). VCF-style: chr2-178531761-T-C. GRCh37 (hg19) VCF-style: chr2-179396488-T-C.
Other names: c.99931A>G, p.Arg33311Gly (NM_001256850.1); c.77659A>G, p.Arg25887Gly (NM_003319.4); c.97150A>G, p.Arg32384Gly (NM_133378.4); c.78034A>G, p.Arg26012Gly (NM_133432.3); c.78235A>G, p.Arg26079Gly (NM_133437.4); short protein forms R25887G, R33311G, R34952G, R26079G, R32384G, R26012G.
Identifiers: ClinVar variation 2930818 (VCV002930818.2), dbSNP rs2154133764, ClinGen allele CA349410722.